The following is an entry in ClinVar:

NM_005993.5(TBCD):c.3472_3473del (p.Thr1158fs)

Gene: TBCD (tubulin folding cofactor D). Cytogenetic location: 17q25.3.
Variant type: Microsatellite.
Coding change: c.3472_3473del on transcript NM_005993.5 (MANE Select); coding-DNA positions 3472 to 3473, 2 bases deleted.
Protein change: p.Thr1158fs; shifts the reading frame from threonine 1158.
Molecular consequence: frameshift variant.
Genome position: GRCh38 VCF-style: chr17-82939466-GAC-G. GRCh37 (hg19) VCF-style: chr17-80897342-GAC-G.
Other names: c.3421_3422del, p.Thr1141fs (NM_001411101.1); c.3391_3392del, p.Thr1131fs (NM_001411102.1); c.3472_3473delAC (NM_005993.5); short protein forms T1131fs, T1141fs, T1158fs.
Identifiers: ClinVar variation 3251536 (VCV003251536.1), dbSNP rs2510917891.

ClinVar aggregate classification (germline): Uncertain significance (1 of 4 stars; one submission).

Submission:

Women's Health and Genetics/Laboratory Corporation of America, LabCorp
Classification: Uncertain significance. Last evaluated: 2024-04-04. Review status: criteria provided, single submitter. Criteria: LabCorp Variant Classification Summary - May 2015. Collection method: clinical testing. Allele origin: germline.
Comment: Variant summary: TBCD c.3472_3473delAC (p.Thr1158CysfsX18) results in a premature termination codon, predicted to cause a truncation of the encoded protein. No downsteam missense/in-frame deletions or truncating variants have been reported Pathogenic yet. The variant was absent in 247082 control chromosomes. The available data on variant occurrences in the general population are insufficient to allow any conclusion about variant significance. To our knowledge, no occurrence of c.3472_3473delAC in individuals affected with Encephalopathy, Early Onset and no experimental evidence demonstrating its impact on protein function have been reported. No submitters have cited clinical-significance assessments for this variant to ClinVar. Based on the evidence outlined above, the variant was classified as uncertain significance.